The following is an entry in ClinVar:

ClinVar aggregate classification (germline): Uncertain significance (1 of 4 stars; one submission).

Conditions:
Ehlers-Danlos syndrome, classic type, 1 (EDSCL1). Also called: EHLERS-DANLOS SYNDROME, GRAVIS TYPE; EHLERS-DANLOS SYNDROME, SEVERE CLASSIC TYPE; Ehlers-Danlos syndrome, type 1; Ehlers-Danlos Syndrome, Classic Type, COL5A1-Related; EDS I. Identifiers: MedGen C0268335, MONDO:0019567, OMIM 130000.

gnomAD v4.1: 3 of 1,614,080 alleles (0.00019%); highest among the groups gnomAD compares: African/African-American, 0.0013%; no homozygotes.

Submission:

Labcorp Genetics (formerly Invitae), Labcorp
Classification: Uncertain significance for Ehlers-Danlos syndrome, classic type, 1. Last evaluated: 2024-04-24. Review status: criteria provided, single submitter. Criteria: Invitae Variant Classification Sherloc (09022015). Collection method: clinical testing. Allele origin: germline.
Comment: This sequence change falls in intron 10 of the COL5A1 gene. It does not directly change the encoded amino acid sequence of the COL5A1 protein. It affects a nucleotide within the consensus splice site. This variant is present in population databases (rs761448904, gnomAD 0.007%). This variant has not been reported in the literature in individuals affected with COL5A1-related conditions. Variants that disrupt the consensus splice site are a relatively common cause of aberrant splicing (PMID: 17576681, 9536098). Algorithms developed to predict the effect of sequence changes on RNA splicing suggest that this variant is not likely to affect RNA splicing. In summary, the available evidence is currently insufficient to determine the role of this variant in disease. Therefore, it has been classified as a Variant of Uncertain Significance.

Literature cited by the submitters: PubMed 17576681; PubMed 9536098.

NM_000093.5(COL5A1):c.1431+3G>A

Gene: COL5A1 (collagen type V alpha 1 chain; plus strand). Cytogenetic location: 9q34.3.
Variant type: single nucleotide variant.
Coding change: c.1431+3G>A on transcript NM_000093.5 (MANE Select); 3 bases into the intron after coding-DNA position 1431, G replaced by A.
Molecular consequence: intron variant.
Genome position (GRCh38, 1-based): chr9:134,738,518, G>A. VCF-style: chr9-134738518-G-A. GRCh37 (hg19) VCF-style: chr9-137630364-G-A.
Other names: c.1431+3G>A (NM_001278074.1).
Identifiers: ClinVar variation 3615346 (VCV003615346.2).
Genomic context (GRCh38, chr9:134,738,518, plus strand): 5'-CTCTCTGTCTCCCCAGGGCATGCTCATCGAGGGCCCGCCTGGCCCAGAAGGCCCCGCGGT[G>A]AGTATCCGGCTTTATCCTGTGACTTGCAGAAGGTGCTCTTGGTGGGGTGGGGTTGGTGAC-3'